The following is an entry in ClinVar:

NM_001387430.1(SH2B1):c.967T>C (p.Cys323Arg)

Gene: SH2B1 (SH2B adaptor protein 1; plus strand). Cytogenetic location: 16p11.2.
Variant type: single nucleotide variant.
Coding change: c.967T>C on transcript NM_001387430.1 (MANE Select); coding-DNA position 967, T replaced by C.
Protein change: p.Cys323Arg; replaces cysteine 323 with arginine.
Molecular consequence: missense variant. On other transcripts: intron variant (1).
Genome position (GRCh38, 1-based): chr16:28,867,358, T>C. VCF-style: chr16-28867358-T-C. GRCh37 (hg19) VCF-style: chr16-28878679-T-C.
Other names: c.967T>C, p.Cys323Arg (NM_001145795.2, NM_001145796.2, NM_001145797.2 and 4 more transcripts); c.-26-16T>C (NM_001308294.2); short protein forms C323R.
Identifiers: ClinVar variation 2131151 (VCV002131151.4), dbSNP rs2544873300, ClinGen allele CA395425386.

ClinVar aggregate classification (germline): Uncertain significance (1 of 4 stars; one submission).

Submission:

Labcorp Genetics (formerly Invitae), Labcorp
Classification: Uncertain significance. Last evaluated: 2022-10-17. Review status: criteria provided, single submitter. Criteria: Invitae Variant Classification Sherloc (09022015). Collection method: clinical testing. Allele origin: germline.
Comment: In summary, the available evidence is currently insufficient to determine the role of this variant in disease. Therefore, it has been classified as a Variant of Uncertain Significance. Algorithms developed to predict the effect of missense changes on protein structure and function are either unavailable or do not agree on the potential impact of this missense change (SIFT: "Deleterious"; PolyPhen-2: "Probably Damaging"; Align-GVGD: "Class C0"). This variant has not been reported in the literature in individuals affected with SH2B1-related conditions. This variant is not present in population databases (gnomAD no frequency). This sequence change replaces cysteine, which is neutral and slightly polar, with arginine, which is basic and polar, at codon 323 of the SH2B1 protein (p.Cys323Arg).